The following is an entry in ClinVar:

NM_001077653.2(TBX20):c.593A>G (p.Lys198Arg)

Gene: TBX20 (T-box transcription factor 20; minus strand). Cytogenetic location: 7p14.2.
Variant type: single nucleotide variant.
Coding change: c.593A>G on transcript NM_001077653.2 (MANE Select); coding-DNA position 593, A replaced by G.
Protein change: p.Lys198Arg; replaces lysine 198 with arginine.
Molecular consequence: missense variant.
Genome position (GRCh38, 1-based): chr7:35,245,010, T>C on the plus strand (A>G on the coding strand, the complement: TBX20 is on the minus strand). VCF-style: chr7-35245010-T-C. GRCh37 (hg19) VCF-style: chr7-35284622-T-C.
Other names: c.593A>G, p.Lys198Arg (NM_001166220.1); short protein forms K198R.
Identifiers: ClinVar variation 1359182 (VCV001359182.8), dbSNP rs761547441, ClinGen allele CA4217461.

ClinVar aggregate classification (germline): Uncertain significance (1 of 4 stars; one submission).

Allele frequency attached by ClinVar (database versions not stated): ExAC 0.00001; gnomAD exomes below 0.00001.
gnomAD v4.1: 2 of 1,613,904 alleles (0.00012%); highest among the groups gnomAD compares: South Asian, 0.0022%; no homozygotes.

Submission:

Labcorp Genetics (formerly Invitae), Labcorp
Classification: Uncertain significance. Last evaluated: 2024-07-27. Review status: criteria provided, single submitter. Criteria: Invitae Variant Classification Sherloc (09022015). Collection method: clinical testing. Allele origin: germline.
Comment: This sequence change replaces lysine, which is basic and polar, with arginine, which is basic and polar, at codon 198 of the TBX20 protein (p.Lys198Arg). This variant is present in population databases (rs761547441, gnomAD 0.003%). This variant has not been reported in the literature in individuals affected with TBX20-related conditions. ClinVar contains an entry for this variant (Variation ID: 1359182). Advanced modeling of protein sequence and biophysical properties (such as structural, functional, and spatial information, amino acid conservation, physicochemical variation, residue mobility, and thermodynamic stability) performed at Invitae indicates that this missense variant is not expected to disrupt TBX20 protein function with a negative predictive value of 80%. In summary, the available evidence is currently insufficient to determine the role of this variant in disease. Therefore, it has been classified as a Variant of Uncertain Significance.